The following is an entry in ClinVar:

NM_033028.5(BBS4):c.1294del (p.Glu432fs)

Gene: BBS4 (Bardet-Biedl syndrome 4; plus strand). Cytogenetic location: 15q24.1.
Variant type: Deletion.
Coding change: c.1294del on transcript NM_033028.5 (MANE Select); coding-DNA position 1294, one base deleted (G; older notation c.1294delG).
Protein change: p.Glu432fs; shifts the reading frame from glutamic acid 432.
Molecular consequence: frameshift variant. On other transcripts: non-coding transcript variant (2).
Genome position (GRCh38, 1-based): chr15:72,736,807, G deleted; the last of 4 consecutive G bases (chr15:72,736,804-72,736,807); deleting any one gives the same sequence. VCF-style (leftmost placement, unchanged base first): chr15-72736803-TG-T. GRCh37 (hg19) VCF-style: chr15-73029144-TG-T.
Other names: c.1294delG (NM_033028.5); c.778del, p.Glu260fs (NM_001252678.2); c.1225del, p.Glu409fs (NM_001320665.2); short protein forms E260fs, E432fs, E409fs.
Identifiers: ClinVar variation 1397948 (VCV001397948.11), dbSNP rs912967826, ClinGen allele CA619410439.
Genomic context (GRCh38, chr15:72,736,803, plus strand): 5'-CTTCCTTTGTGGACACAAGATGGTGGAGATGGCTCAGAAGTTGGGAGCTGCTCTCCAGGT[TG>T]GGGAGGCACTGGTCTGGACCAAACCAGTTAAAGATCCCAAATCAAAGCACCAGACCACTT-3'

ClinVar aggregate classification (germline): Pathogenic/Likely pathogenic. Review status: criteria provided, multiple submitters, no conflicts (2 of 4 stars). 2 submissions from 2 submitters: Pathogenic (1); Likely pathogenic (1). Last evaluated 2025-04-15.

Conditions:
Bardet-Biedl syndrome (BBS). Identifiers: Orphanet 110, MedGen C0752166, MONDO:0015229.

Submissions (2):

Women's Health and Genetics/Laboratory Corporation of America, LabCorp
Classification: Likely pathogenic for Bardet-Biedl syndrome. Last evaluated: 2025-04-15. Review status: criteria provided, single submitter. Criteria: LabCorp Variant Classification Summary - May 2015. Collection method: clinical testing. Allele origin: germline.
Comment: Variant summary: BBS4 c.1294delG (p.Glu432ArgfsX37) results in a premature termination codon, predicted to cause a truncation of the encoded protein or absence of the protein due to nonsense mediated decay, which are commonly known mechanisms for disease. The nascent stop codon is expected to occur a single codon upstream of the the calculated NMD cutoff. The variant allele was found at a frequency of 8e-06 in 251432 control chromosomes. To our knowledge, no occurrence of c.1294delG in individuals affected with Bardet-Biedl Syndrome and no experimental evidence demonstrating its impact on protein function have been reported. ClinVar contains an entry for this variant (Variation ID: 1397948). Based on the evidence outlined above, the variant was classified as likely pathogenic.

Labcorp Genetics (formerly Invitae), Labcorp
Classification: Pathogenic for Bardet-Biedl syndrome. Last evaluated: 2024-04-24. Review status: criteria provided, single submitter. Criteria: Invitae Variant Classification Sherloc (09022015). Collection method: clinical testing. Allele origin: germline.
Comment: This sequence change creates a premature translational stop signal (p.Glu432Argfs*37) in the BBS4 gene. It is expected to result in an absent or disrupted protein product. Loss-of-function variants in BBS4 are known to be pathogenic (PMID: 11381270, 12016587, 20177705, 27894351). This variant is present in population databases (no rsID available, gnomAD 0.002%). This variant has not been reported in the literature in individuals affected with BBS4-related conditions. ClinVar contains an entry for this variant (Variation ID: 1397948). For these reasons, this variant has been classified as Pathogenic.

Literature cited by the submitters: PubMed 11381270 (cited by Labcorp Genetics (formerly Invitae), Labcorp); PubMed 12016587 (cited by Labcorp Genetics (formerly Invitae), Labcorp); PubMed 20177705 (cited by Labcorp Genetics (formerly Invitae), Labcorp); PubMed 27894351 (cited by Labcorp Genetics (formerly Invitae), Labcorp).